The following is an entry in ClinVar:

NM_004006.3(DMD):c.5684A>T (p.Asp1895Val)

Gene: DMD (dystrophin; minus strand). Cytogenetic location: Xp21.1.
Variant type: single nucleotide variant.
Coding change: c.5684A>T on transcript NM_004006.3 (MANE Select); coding-DNA position 5684, A replaced by T.
Protein change: p.Asp1895Val; replaces aspartic acid 1895 with valine.
Molecular consequence: missense variant.
Genome position (GRCh38, 1-based): chrX:32,343,189, T>A on the plus strand (A>T on the coding strand, the complement: DMD is on the minus strand). VCF-style: chrX-32343189-T-A. GRCh37 (hg19) VCF-style: chrX-32361306-T-A.
Other names: c.5660A>T, p.Asp1887Val (NM_000109.4); c.5672A>T, p.Asp1891Val (NM_004009.3); c.5315A>T, p.Asp1772Val (NM_004010.3); c.1661A>T, p.Asp554Val (NM_004011.4); c.1652A>T, p.Asp551Val (NM_004012.4); short protein forms D1772V, D1887V, D1891V, D1895V, D551V, D554V.
Identifiers: ClinVar variation 1003542 (VCV001003542.4), dbSNP rs376202643, ClinGen allele CA10378623.

ClinVar aggregate classification (germline): Conflicting classifications of pathogenicity. Review status: criteria provided, conflicting classifications (1 of 4 stars). 3 submissions from 3 submitters: Uncertain significance (1); Likely benign (1). 1 of the submissions does not count toward it. Last evaluated 2024-12-31.

Conditions:
Duchenne muscular dystrophy (DMD). Also called: MUSCULAR DYSTROPHY, PSEUDOHYPERTROPHIC PROGRESSIVE, DUCHENNE TYPE; Duchenne Muscular Dystrophy (DMD). Identifiers: Orphanet 98896, MedGen C0013264, MONDO:0010679, OMIM 310200.
Dystrophin deficiency.
Becker muscular dystrophy (BMD). Also called: MUSCULAR DYSTROPHY, PSEUDOHYPERTROPHIC PROGRESSIVE, BECKER TYPE; Becker Muscular Dystrophy (BMD). Identifiers: Orphanet 98895, MedGen C0917713, MONDO:0010311, OMIM 300376.
Cardiomyopathy (CMYO). Also called: Cardiomyopathies. Identifiers: Orphanet 167848, MedGen C0878544, MONDO:0004994, HP:0001638. Inheritance: Various modes of inheritance.

Allele frequency attached by ClinVar (database versions not stated): TOPMed 0.00003; gnomAD 0.00004; ESP Exome Variant Server 0.00019.
gnomAD v4.1: 79 of 1,208,581 alleles (0.0065%); highest among the groups gnomAD compares: Middle Eastern, 0.023%; no homozygotes.

Submissions (3):

Women's Health and Genetics/Laboratory Corporation of America, LabCorp
Classification: Likely benign. Last evaluated: 2024-12-31. Review status: criteria provided, single submitter. Criteria: LabCorp Variant Classification Summary - May 2015. Collection method: clinical testing. Allele origin: germline.
Comment: Variant summary: DMD c.5684A>T (p.Asp1895Val) results in a non-conservative amino acid change located in the spectrin repeat domain (IPR002017) of the encoded protein sequence. Three of five in-silico tools predict a damaging effect of the variant on protein function. The variant allele was found at a frequency of 6.5e-05 in 1208581 control chromosomes (including 29 hemizygotes), predominantly at a frequency of 8.5e-05 within the Non-Finnish European subpopulation in the gnomAD database. The observed variant frequency within Non-Finnish European control individuals in the gnomAD database is approximately 7.8 fold of the estimated maximal expected allele frequency for a pathogenic variant in DMD causing Duchenne Muscular Dystrophy phenotype (1.1e-05). c.5684A>T has been reported in the literature in an individual affected with Dilated Cardiomyopathy without strong evidence for causality (e.g., Mazzarotto_2020). This report does not provide unequivocal conclusions about association of the variant with Duchenne Muscular Dystrophy. To our knowledge, no experimental evidence demonstrating an impact on protein function has been reported. The following publication has been ascertained in the context of this evaluation (PMID: 31983221). ClinVar contains an entry for this variant (Variation ID: 1003542). Based on the evidence outlined above, the variant was classified as likely benign.

Labcorp Genetics (formerly Invitae), Labcorp
Classification: Uncertain significance for Duchenne muscular dystrophy. Last evaluated: 2022-01-06. Review status: criteria provided, single submitter. Criteria: Invitae Variant Classification Sherloc (09022015). Collection method: clinical testing. Allele origin: germline.
Comment: This sequence change replaces aspartic acid, which is acidic and polar, with valine, which is neutral and non-polar, at codon 1895 of the DMD protein (p.Asp1895Val). This variant is present in population databases (rs376202643, gnomAD 0.004%). This missense change has been observed in individual(s) with dilated cardiomyopathy (PMID: 31983221). ClinVar contains an entry for this variant (Variation ID: 1003542). Algorithms developed to predict the effect of missense changes on protein structure and function are either unavailable or do not agree on the potential impact of this missense change (SIFT: "Deleterious"; PolyPhen-2: "Possibly Damaging"; Align-GVGD: "Class C0"). In summary, the available evidence is currently insufficient to determine the role of this variant in disease. Therefore, it has been classified as a Variant of Uncertain Significance.

Natera, Inc.
Classification: Uncertain significance for Becker muscular dystrophy; Cardiomyopathy; Duchenne muscular dystrophy; Dystrophin deficiency. Last evaluated: 2018-07-03. Review status: no assertion criteria provided. Collection method: clinical testing. Allele origin: germline. Not counted in ClinVar's aggregate classification.

Literature cited by the submitters: PubMed 31983221 (cited by Women's Health and Genetics/Laboratory Corporation of America, LabCorp and Labcorp Genetics (formerly Invitae), Labcorp).